The following is an entry in ClinVar:

ClinVar aggregate classification (germline): Likely benign (1 of 4 stars; one submission).

Allele frequency attached by ClinVar (database versions not stated): 1000 Genomes Project 0.00020; 1000 Genomes Project 30x 0.00031; ESP Exome Variant Server 0.00054; TOPMed 0.00071.

Submission:

CeGaT Center for Human Genetics Tuebingen
Classification: Likely benign. Last evaluated: 2023-02-01. Review status: criteria provided, single submitter. Criteria: CeGaT Center For Human Genetics Tuebingen Variant Classification Criteria Version 2. Collection method: clinical testing. Allele origin: germline. Affected: yes. Observed: 1 variant allele.
Comment: OR1E2: BP4, BP7

NM_003554.2(OR1E2):c.885C>T (p.Thr295=)

Gene: OR1E2 (olfactory receptor family 1 subfamily E member 2; minus strand). Cytogenetic location: 17p13.2.
Variant type: single nucleotide variant.
Coding change: c.885C>T on transcript NM_003554.2 (MANE Select); coding-DNA position 885, C replaced by T.
Protein change: p.Thr295=; no amino-acid change (threonine 295 retained).
Molecular consequence: synonymous variant.
Genome position (GRCh38, 1-based): chr17:3,432,957, G>A on the plus strand (C>T on the coding strand, the complement: OR1E2 is on the minus strand). VCF-style: chr17-3432957-G-A. GRCh37 (hg19) VCF-style: chr17-3336251-G-A.
Other names: c.885C>T, p.Thr295= (NM_001303278.1).
Identifiers: ClinVar variation 2647232 (VCV002647232.24), dbSNP rs143255376, ClinGen allele CA8288296.